The following is an entry in ClinVar:

ClinVar aggregate classification (germline): Uncertain significance. Review status: criteria provided, multiple submitters, no conflicts (2 of 4 stars). 3 submissions from 3 submitters: Uncertain significance (3). Last evaluated 2025-04-01.

Allele frequency attached by ClinVar (database versions not stated): ExAC 0.00002; TOPMed 0.00001; gnomAD exomes 0.00002.
gnomAD v4.1: 16 of 1,613,770 alleles (0.00099%); highest among the groups gnomAD compares: Admixed American, 0.0033%; no homozygotes.

Submissions (3):

Labcorp Genetics (formerly Invitae), Labcorp
Classification: Uncertain significance. Last evaluated: 2025-04-01. Review status: criteria provided, single submitter. Criteria: Invitae Variant Classification Sherloc (09022015). Collection method: clinical testing. Allele origin: germline.
Comment: This sequence change creates a premature translational stop signal (p.Arg2718*) in the PIEZO2 gene. While this is not anticipated to result in nonsense mediated decay, it is expected to disrupt the last 35 amino acid(s) of the PIEZO2 protein. This variant is present in population databases (rs753034565, gnomAD 0.007%). This premature translational stop signal has been observed in individual(s) with autosomal recessive distal arthrogryposis (external communication). In at least one individual the data is consistent with being in trans (on the opposite chromosome) from a pathogenic variant. ClinVar contains an entry for this variant (Variation ID: 1309591). Algorithms developed to predict the effect of sequence changes on RNA splicing suggest that this variant may disrupt the consensus splice site. In summary, the available evidence is currently insufficient to determine the role of this variant in disease. Therefore, it has been classified as a Variant of Uncertain Significance.

Revvity Omics, Revvity
Classification: Uncertain significance. Last evaluated: 2021-09-23. Review status: criteria provided, single submitter. Criteria: ACMG Guidelines, 2015. Collection method: clinical testing. Allele origin: germline.

GeneDx
Classification: Uncertain significance. Last evaluated: 2019-11-07. Review status: criteria provided, single submitter. Criteria: GeneDx Variant Classification Process June 2021. Collection method: clinical testing. Allele origin: germline. Affected: yes.
Comment: Nonsense variant in the C-terminus predicted to result in protein truncation, as the last 35 amino acids are lost, and other loss-of-function variants have been reported downstream in the Human Gene Mutation Database (Stenson et al., 2014); Has not been previously published as pathogenic or benign to our knowledge

NM_001378183.1(PIEZO2):c.8491C>T (p.Arg2831Ter)

Gene: PIEZO2 (piezo type mechanosensitive ion channel component 2; minus strand). Cytogenetic location: 18p11.22.
Variant type: single nucleotide variant.
Coding change: c.8491C>T on transcript NM_001378183.1 (MANE Select); coding-DNA position 8491, C replaced by T.
Protein change: p.Arg2831Ter; replaces arginine 2831 with a stop codon.
Molecular consequence: nonsense.
Genome position (GRCh38, 1-based): chr18:10,671,634, G>A on the plus strand (C>T on the coding strand, the complement: PIEZO2 is on the minus strand). VCF-style: chr18-10671634-G-A. GRCh37 (hg19) VCF-style: chr18-10671631-G-A.
Other names: c.8152C>T, p.Arg2718Ter (NM_022068.4); c.8152C>T (NM_022068.3); short protein forms R2718*, R2831*.
Identifiers: ClinVar variation 1309591 (VCV001309591.5), dbSNP rs753034565, ClinGen allele CA8891728.